The following is an entry in ClinVar:

NM_002878.4(RAD51D):c.686A>G (p.Gln229Arg)

Genes: RAD51D (RAD51 paralog D; minus strand), RAD51L3-RFFL (RAD51L3-RFFL readthrough; minus strand). Cytogenetic location: 17q12.
Variant type: single nucleotide variant.
Coding change: c.686A>G on transcript NM_002878.4 (MANE Select); coding-DNA position 686, A replaced by G.
Protein change: p.Gln229Arg; replaces glutamine 229 with arginine.
Molecular consequence: missense variant. On other transcripts: non-coding transcript variant (3).
Genome position (GRCh38, 1-based): chr17:35,103,306, T>C on the plus strand (A>G on the coding strand, the complement: RAD51D is on the minus strand). VCF-style: chr17-35103306-T-C. GRCh37 (hg19) VCF-style: chr17-33430325-T-C.
Other names: c.746A>G, p.Gln249Arg (NM_001142571.2); c.350A>G, p.Gln117Arg (NM_133629.3); short protein forms Q117R, Q229R, Q249R.
Identifiers: ClinVar variation 1755872 (VCV001755872.2), dbSNP rs2142418648, ClinGen allele CA399087711.
Genomic context (GRCh38, chr17:35,103,306, plus strand): 5'-TTCCTCACCACCACTGCCATGCCAAGGTCCCGGGCCAGGGTCTTCAGCTCTCGGGCCAGC[T>C]GCATCATCAAGGCCAAGCCTGCAGGAGGAGGAGAAGCAGAGAGGGAGGGCAGTGGGGAAC-3'
Protein context (NP_002869.3, residues 219-239): QQREGLALMM[Gln229Arg]LARELKTLAR

ClinVar aggregate classification (germline): Uncertain significance (1 of 4 stars; one submission).

Conditions:
Hereditary cancer-predisposing syndrome. Also called: Neoplastic Syndromes, Hereditary; Tumor predisposition; Hereditary Cancer Syndrome; Hereditary neoplastic syndrome. Identifiers: Orphanet 140162, MedGen C0027672, MeSH D009386, MONDO:0015356.

Submission:

Ambry Genetics
Classification: Uncertain significance for Hereditary cancer-predisposing syndrome. Last evaluated: 2022-08-09. Review status: criteria provided, single submitter. Criteria: Ambry Variant Classification Scheme 2023. Collection method: clinical testing. Allele origin: germline.
Comment: The p.Q229R variant (also known as c.686A>G), located in coding exon 8 of the RAD51D gene, results from an A to G substitution at nucleotide position 686. The glutamine at codon 229 is replaced by arginine, an amino acid with highly similar properties. This amino acid position is conserved. In addition, the in silico prediction for this alteration is inconclusive. Since supporting evidence is limited at this time, the clinical significance of this alteration remains unclear.